The following is an entry in ClinVar:

NC_000013.10:g.(?_100741375)_(101182420_?)del

Genes: GGACT (gamma-glutamylamine cyclotransferase; minus strand), PCCA (propionyl-CoA carboxylase subunit alpha; plus strand). Cytogenetic location: 13q32.3.
Variant type: Deletion.
Identifiers: ClinVar variation 2422797 (VCV002422797.4).

ClinVar aggregate classification (germline): Pathogenic (1 of 4 stars; one submission).

Conditions:
Propionic acidemia (PROP). Also called: GLYCINEMIA, KETOTIC; HYPERGLYCINEMIA WITH KETOACIDOSIS AND LEUKOPENIA; KETOTIC HYPERGLYCINEMIA. Identifiers: Orphanet 35, MedGen C0268579, MONDO:0011628, OMIM 606054, HP:0003571.

Submission:

Labcorp Genetics (formerly Invitae), Labcorp
Classification: Pathogenic for Propionic acidemia. Last evaluated: 2022-10-17. Review status: criteria provided, single submitter. Criteria: Invitae Variant Classification Sherloc (09022015). Collection method: clinical testing. Allele origin: germline.
Comment: For these reasons, this variant has been classified as Pathogenic. This variant has not been reported in the literature in individuals affected with PCCA-related conditions. A gross deletion of the genomic region encompassing the full coding sequence of the PCCA gene has been identified. Loss-of-function variants in PCCA are known to be pathogenic (PMID: 15464417). The boundaries of this event are unknown as they extend beyond the assayed region for this gene and therefore may encompass additional genes.

Literature cited by the submitters: PubMed 15464417.